The following is an entry in ClinVar:

NM_003906.5(MCM3AP):c.4527C>T (p.Ala1509=)

Genes: MCM3AP (minichromosome maintenance complex component 3 associated protein; minus strand), MCM3AP-AS1 (MCM3AP antisense RNA 1; plus strand). Cytogenetic location: 21q22.3.
Variant type: single nucleotide variant.
Coding change: c.4527C>T on transcript NM_003906.5 (MANE Select); coding-DNA position 4527, C replaced by T.
Protein change: p.Ala1509=; no amino-acid change (alanine 1509 retained).
Molecular consequence: synonymous variant.
Genome position (GRCh38, 1-based): chr21:46,246,650, G>A on the plus strand (C>T on the coding strand, the complement: MCM3AP is on the minus strand). VCF-style: chr21-46246650-G-A. GRCh37 (hg19) VCF-style: chr21-47666564-G-A.
Other names: p.Ala1509=; c.4527C>T (NM_003906.4).
Identifiers: ClinVar variation 1298884 (VCV001298884.44), dbSNP rs137885318, ClinGen allele CA10076105.

ClinVar aggregate classification (germline): Benign/Likely benign. Review status: criteria provided, multiple submitters, no conflicts (2 of 4 stars). 6 submissions from 6 submitters: Benign (1); Likely benign (5). Last evaluated 2026-01-17.

Conditions:
MCM3AP-related disorder. Also called: MCM3AP-related condition.

Allele frequency attached by ClinVar (database versions not stated): gnomAD exomes 0.00052 and 0.00083; 1000 Genomes Project 0.00060; 1000 Genomes Project 30x 0.00078; ExAC 0.00079; gnomAD 0.00122 and 0.00130; ESP Exome Variant Server 0.00123.
gnomAD v4.1: 1,004 of 1,610,678 alleles (0.062%); highest among the groups gnomAD compares: African/African-American, 0.19%; 4 homozygotes.

Submissions (6):

Labcorp Genetics (formerly Invitae), Labcorp
Classification: Benign. Last evaluated: 2026-01-17. Review status: criteria provided, single submitter. Criteria: Invitae Variant Classification Sherloc (09022015). Collection method: clinical testing. Allele origin: germline.

Mayo Clinic Laboratories, Mayo Clinic
Classification: Likely benign. Last evaluated: 2025-06-04. Review status: criteria provided, single submitter. Criteria: ACMG Guidelines, 2015. Collection method: clinical testing. Allele origin: germline. Observed: 2 variant alleles.
Comment: BS2, BP4, BP7

PreventionGenetics, part of Exact Sciences
Classification: Likely benign for MCM3AP-related condition. Last evaluated: 2025-05-14. Review status: criteria provided, single submitter. Criteria: ACMG Guidelines, 2015. Collection method: clinical testing. Allele origin: germline.
Comment: This variant is classified as likely benign based on ACMG/AMP sequence variant interpretation guidelines (Richards et al. 2015 PMID: 25741868, with internal and published modifications).

Laboratory of Genetics, Children's Clinical University Hospital Latvia
Classification: Likely benign. Last evaluated: 2025-02-16. Review status: criteria provided, single submitter. Criteria: ACMG Guidelines, 2015. Collection method: clinical testing. Allele origin: germline. Affected: yes.

Blueprint Genetics
Classification: Likely benign. Last evaluated: 2024-10-02. Review status: criteria provided, single submitter. Criteria: ACMG Guidelines, 2015. Collection method: clinical testing. Allele origin: germline.

CeGaT Center for Human Genetics Tuebingen
Classification: Likely benign. Last evaluated: 2023-04-01. Review status: criteria provided, single submitter. Criteria: CeGaT Center For Human Genetics Tuebingen Variant Classification Criteria Version 2. Collection method: clinical testing. Allele origin: germline. Affected: yes. Observed: 3 variant alleles.
Comment: MCM3AP: BP4, BP7